The following is an entry in ClinVar:

NM_000231.3(SGCG):c.579-7A>C

Gene: SGCG (sarcoglycan gamma; plus strand). Cytogenetic location: 13q12.12.
Variant type: single nucleotide variant.
Coding change: c.579-7A>C on transcript NM_000231.3 (MANE Select); 7 bases into the intron before coding-DNA position 579, A replaced by C.
Molecular consequence: intron variant.
Genome position (GRCh38, 1-based): chr13:23,320,630, A>C. VCF-style: chr13-23320630-A-C. GRCh37 (hg19) VCF-style: chr13-23894769-A-C.
Other names: c.579-7A>C (NM_000231.2, NM_001378245.1, NM_001378246.1); c.633-7A>C (NM_001378244.1).
Identifiers: ClinVar variation 1117265 (VCV001117265.10), dbSNP rs371758035, ClinGen allele CA6909792.

ClinVar aggregate classification (germline): Likely benign. Review status: criteria provided, multiple submitters, no conflicts (2 of 4 stars). 2 submissions from 2 submitters: Likely benign (2). Last evaluated 2025-01-03.

Conditions:
SGCG-related disorder. Also called: SGCG-related condition.
Autosomal recessive limb-girdle muscular dystrophy type 2C (LGMDR5). Also called: MUSCULAR DYSTROPHY, LIMB-GIRDLE, AUTOSOMAL RECESSIVE 5; MUSCULAR DYSTROPHY, DUCHENNE-LIKE. Identifiers: Orphanet 353, MedGen C0410173, MONDO:0009677, OMIM 253700. Disease mechanism: Affects gamma-sarcoglycan and also disrupts the integrity of the entire sarcoglycan complex..

Allele frequency attached by ClinVar (database versions not stated): ExAC 0.00003; ESP Exome Variant Server 0.00008.

Submissions (2):

PreventionGenetics, part of Exact Sciences
Classification: Likely benign for SGCG-related condition. Last evaluated: 2025-01-03. Review status: criteria provided, single submitter. Criteria: ACMG Guidelines, 2015. Collection method: clinical testing. Allele origin: germline.
Comment: This variant is classified as likely benign based on ACMG/AMP sequence variant interpretation guidelines (Richards et al. 2015 PMID: 25741868, with internal and published modifications).

Labcorp Genetics (formerly Invitae), Labcorp
Classification: Likely benign for Autosomal recessive limb-girdle muscular dystrophy type 2C. Last evaluated: 2023-02-18. Review status: criteria provided, single submitter. Criteria: Invitae Variant Classification Sherloc (09022015). Collection method: clinical testing. Allele origin: germline.